The following is an entry in ClinVar:

NM_012448.4(STAT5B):c.899G>A (p.Cys300Tyr)

Gene: STAT5B (signal transducer and activator of transcription 5B; minus strand). Cytogenetic location: 17q21.2.
Variant type: single nucleotide variant.
Coding change: c.899G>A on transcript NM_012448.4 (MANE Select); coding-DNA position 899, G replaced by A.
Protein change: p.Cys300Tyr; replaces cysteine 300 with tyrosine.
Molecular consequence: missense variant.
Genome position (GRCh38, 1-based): chr17:42,218,813, C>T on the plus strand (G>A on the coding strand, the complement: STAT5B is on the minus strand). VCF-style: chr17-42218813-C-T. GRCh37 (hg19) VCF-style: chr17-40370831-C-T.
Other names: short protein forms C300Y.
Identifiers: ClinVar variation 3375158 (VCV003375158.1).

ClinVar aggregate classification (germline): Uncertain significance (1 of 4 stars; one submission).

Submission:

Women's Health and Genetics/Laboratory Corporation of America, LabCorp
Classification: Uncertain significance. Last evaluated: 2024-09-30. Review status: criteria provided, single submitter. Criteria: LabCorp Variant Classification Summary - May 2015. Collection method: clinical testing. Allele origin: germline.
Comment: Variant summary: STAT5B c.899G>A (p.Cys300Tyr) results in a non-conservative amino acid change located in the STAT transcription factor, all-alpha domain (IPR013800) of the encoded protein sequence. Three of five in-silico tools predict a damaging effect of the variant on protein function. The variant allele was found at a frequency of 4e-06 in 249370 control chromosomes. The available data on variant occurrences in the general population are insufficient to allow any conclusion about variant significance. To our knowledge, no occurrence of c.899G>A in individuals affected with Growth Hormone Insensitivity Syndrome With Immune Dysregulation 2, Autosomal Dominant and no experimental evidence demonstrating its impact on protein function have been reported. No submitters have cited clinical-significance assessments for this variant to ClinVar. Based on the evidence outlined above, the variant was classified as uncertain significance.